The following is an entry in ClinVar:

NM_001372044.2(SHANK3):c.3762G>A (p.Lys1254=)

Gene: SHANK3 (SH3 and multiple ankyrin repeat domains 3; plus strand). Cytogenetic location: 22q13.33.
Variant type: single nucleotide variant.
Coding change: c.3762G>A on transcript NM_001372044.2 (MANE Select); coding-DNA position 3762, G replaced by A.
Protein change: p.Lys1254=; no amino-acid change (lysine 1254 retained).
Molecular consequence: synonymous variant.
Genome position (GRCh38, 1-based): chr22:50,721,370, G>A. VCF-style: chr22-50721370-G-A. GRCh37 (hg19) VCF-style: chr22-51159798-G-A.
Other names: c.3537G>A, p.Lys1179= (NM_033517.1).
Identifiers: ClinVar variation 587769 (VCV000587769.39), dbSNP rs145196448, ClinGen allele CA10326059.

ClinVar aggregate classification (germline): Benign. Review status: criteria provided, multiple submitters, no conflicts (2 of 4 stars). 4 submissions from 4 submitters: Benign (4). Last evaluated 2026-08-01.

Conditions:
Inborn genetic diseases. Identifiers: MedGen C0950123, MeSH D030342.

Allele frequency attached by ClinVar (database versions not stated): 1000 Genomes Project 0.00240; gnomAD 0.00609 and 0.00666; gnomAD exomes 0.00657; TOPMed 0.00683; ExAC 0.00732; ESP Exome Variant Server 0.00733; 1000 Genomes Project 30x 0.00219.

Submissions (4):

CeGaT Center for Human Genetics Tuebingen
Classification: Benign. Last evaluated: 2026-08-01. Review status: criteria provided, single submitter. Criteria: CeGaT Center For Human Genetics Tuebingen Variant Classification Criteria Version 2. Collection method: clinical testing. Allele origin: germline. Affected: yes. Observed: 32 variant alleles.
Comment: SHANK3: BP4, BP7, BS1, BS2

GeneDx
Classification: Benign. Last evaluated: 2019-08-21. Review status: criteria provided, single submitter. Criteria: GeneDx Variant Classification Process June 2021. Collection method: clinical testing. Allele origin: germline. Affected: yes.

Ambry Genetics
Classification: Benign for Inborn genetic diseases. Last evaluated: 2016-06-20. Review status: criteria provided, single submitter. Criteria: Ambry Variant Classification Scheme 2023. Collection method: clinical testing. Allele origin: germline.

Breakthrough Genomics
Classification: Benign. Review status: criteria provided, single submitter. Criteria: ACMG Guidelines, 2015. Collection method: not provided. Allele origin: germline. Inheritance: Autosomal dominant inheritance. Affected: yes.